The following is an entry in ClinVar:

NM_021961.6(TEAD1):c.604T>C (p.Ser202Pro)

Gene: TEAD1 (TEA domain transcription factor 1; plus strand). Cytogenetic location: 11p15.3.
Variant type: single nucleotide variant.
Coding change: c.604T>C on transcript NM_021961.6 (MANE Select); coding-DNA position 604, T replaced by C.
Protein change: p.Ser202Pro; replaces serine 202 with proline.
Molecular consequence: missense variant.
Genome position (GRCh38, 1-based): chr11:12,883,030, T>C. VCF-style: chr11-12883030-T-C. GRCh37 (hg19) VCF-style: chr11-12904577-T-C.
Other names: short protein forms S202P.
Identifiers: ClinVar variation 2093943 (VCV002093943.4), dbSNP rs2494613073, ClinGen allele CA379712719.

ClinVar aggregate classification (germline): Uncertain significance (1 of 4 stars; one submission).

Submission:

Labcorp Genetics (formerly Invitae), Labcorp
Classification: Uncertain significance. Last evaluated: 2022-02-06. Review status: criteria provided, single submitter. Criteria: Invitae Variant Classification Sherloc (09022015). Collection method: clinical testing. Allele origin: germline.
Comment: This sequence change replaces serine, which is neutral and polar, with proline, which is neutral and non-polar, at codon 202 of the TEAD1 protein (p.Ser202Pro). This variant is not present in population databases (gnomAD no frequency). This variant has not been reported in the literature in individuals affected with TEAD1-related conditions. Algorithms developed to predict the effect of missense changes on protein structure and function (SIFT, PolyPhen-2, Align-GVGD) all suggest that this variant is likely to be tolerated. In summary, the available evidence is currently insufficient to determine the role of this variant in disease. Therefore, it has been classified as a Variant of Uncertain Significance.